The following is an entry in ClinVar:

NM_203285.2(NECTIN1):c.1239G>A (p.Leu413=)

Gene: NECTIN1 (nectin cell adhesion molecule 1; minus strand). Cytogenetic location: 11q23.3.
Variant type: single nucleotide variant.
Coding change: c.1239G>A on transcript NM_203285.2; coding-DNA position 1239, G replaced by A.
Protein change: p.Leu413=; no amino-acid change (leucine 413 retained).
Molecular consequence: synonymous variant.
Genome position (GRCh38, 1-based): chr11:119,638,236, C>T on the plus strand (G>A on the coding strand, the complement: NECTIN1 is on the minus strand). VCF-style: chr11-119638236-C-T. GRCh37 (hg19) VCF-style: chr11-119508946-C-T.
Identifiers: ClinVar variation 4821781 (VCV004821781.4).

ClinVar aggregate classification (germline): Likely benign (1 of 4 stars; one submission).

gnomAD v4.1: 104 of 1,614,060 alleles (0.0064%); highest among the groups gnomAD compares: Non-Finnish European, 0.0078%; no homozygotes.

Submission:

CeGaT Center for Human Genetics Tuebingen
Classification: Likely benign. Last evaluated: 2026-02-01. Review status: criteria provided, single submitter. Criteria: CeGaT Center For Human Genetics Tuebingen Variant Classification Criteria Version 2. Collection method: clinical testing. Allele origin: germline. Affected: yes. Observed: 1 variant allele.
Comment: NECTIN1: BP4, BP7